The following is an entry in ClinVar:

NM_053025.4(MYLK):c.1879C>A (p.Gln627Lys)

Gene: MYLK (myosin light chain kinase; minus strand). Cytogenetic location: 3q21.1.
Variant type: single nucleotide variant.
Coding change: c.1879C>A on transcript NM_053025.4 (MANE Select); coding-DNA position 1879, C replaced by A.
Protein change: p.Gln627Lys; replaces glutamine 627 with lysine.
Molecular consequence: missense variant.
Genome position (GRCh38, 1-based): chr3:123,709,819, G>T on the plus strand (C>A on the coding strand, the complement: MYLK is on the minus strand). VCF-style: chr3-123709819-G-T. GRCh37 (hg19) VCF-style: chr3-123428666-G-T.
Other names: c.1351C>A, p.Gln451Lys (NM_001321309.2); c.1672C>A, p.Gln558Lys (NM_053026.4, NM_053028.4); c.1879C>A, p.Gln627Lys (NM_053027.4); short protein forms Q558K, Q627K, Q451K.
Identifiers: ClinVar variation 2739207 (VCV002739207.3), dbSNP rs1421288220, ClinGen allele CA354234766.
Genomic context (GRCh38, chr3:123,709,819, plus strand): 5'-ACACTTGGACAGTCATAGTGACCTGGCTTCCATCCATGACTTTGAGATCAGAGAGGCCCT[G>T]CAGGAAGATGGGTGCAGTGGGCTTGCTGGGAGCCACAGGCAGAAGGTACTCACTCTTCCT-3'
Protein context (NP_444253.3, residues 617-637): PSKPTAPIFL[Gln627Lys]GLSDLKVMDG

ClinVar aggregate classification (germline): Uncertain significance (1 of 4 stars; one submission).

Conditions:
Aortic aneurysm, familial thoracic 7 (AAT7). Also called: AORTIC DISSECTION, FAMILIAL, WITH OR WITHOUT AORTIC ANEURYSM. Identifiers: MedGen C3151077, MONDO:0013418, OMIM 613780.

gnomAD v4.1: 1 of 1,614,210 alleles (0.000062%); highest among the groups gnomAD compares: Non-Finnish European, 0.000085%; no homozygotes.

Submission:

Labcorp Genetics (formerly Invitae), Labcorp
Classification: Uncertain significance for Aortic aneurysm, familial thoracic 7. Last evaluated: 2023-10-28. Review status: criteria provided, single submitter. Criteria: Invitae Variant Classification Sherloc (09022015). Collection method: clinical testing. Allele origin: germline.
Comment: This sequence change replaces glutamine, which is neutral and polar, with lysine, which is basic and polar, at codon 627 of the MYLK protein (p.Gln627Lys). This variant is not present in population databases (gnomAD no frequency). This variant has not been reported in the literature in individuals affected with MYLK-related conditions. Advanced modeling of protein sequence and biophysical properties (such as structural, functional, and spatial information, amino acid conservation, physicochemical variation, residue mobility, and thermodynamic stability) performed at Invitae indicates that this missense variant is not expected to disrupt MYLK protein function with a negative predictive value of 80%. In summary, the available evidence is currently insufficient to determine the role of this variant in disease. Therefore, it has been classified as a Variant of Uncertain Significance.